The following is an entry in ClinVar:

NM_001378454.1(ALMS1):c.9484A>G (p.Ile3162Val)

Gene: ALMS1 (ALMS1 centrosome and basal body associated protein; plus strand). Cytogenetic location: 2p13.1.
Variant type: single nucleotide variant.
Coding change: c.9484A>G on transcript NM_001378454.1 (MANE Select); coding-DNA position 9484, A replaced by G.
Protein change: p.Ile3162Val; replaces isoleucine 3162 with valine.
Molecular consequence: missense variant.
Genome position (GRCh38, 1-based): chr2:73,491,443, A>G. VCF-style: chr2-73491443-A-G. GRCh37 (hg19) VCF-style: chr2-73718570-A-G.
Other names: c.9487A>G, p.Ile3163Val (NM_015120.4); short protein forms I3162V, I3163V.
Identifiers: ClinVar variation 2167702 (VCV002167702.4), dbSNP rs751131826, ClinGen allele CA1714669.
Genomic context (GRCh38, chr2:73,491,443, plus strand): 5'-TTGAAAACCATACCTTCTCAGAATAGCCAGATAGTAACCTCCAGGCAAATACAAGTGAAC[A>G]TTTCAGATTTCGAAGGACATTCCAATCCAGAGGGGACCCCAGTATTTGCAGATCGGTGAG-3'
Protein context (NP_001365383.1, residues 3152-3172): IVTSRQIQVN[Ile3162Val]SDFEGHSNPE

ClinVar aggregate classification (germline): Uncertain significance (1 of 4 stars; one submission).

Conditions:
Alstrom syndrome (ALMS). Identifiers: Orphanet 64, MedGen C0268425, MONDO:0008763, OMIM 203800.

Allele frequency attached by ClinVar (database versions not stated): ExAC 0.00001.

Submission:

Labcorp Genetics (formerly Invitae), Labcorp
Classification: Uncertain significance for Alstrom syndrome. Last evaluated: 2024-01-25. Review status: criteria provided, single submitter. Criteria: Invitae Variant Classification Sherloc (09022015). Collection method: clinical testing. Allele origin: germline.
Comment: This sequence change replaces isoleucine, which is neutral and non-polar, with valine, which is neutral and non-polar, at codon 3163 of the ALMS1 protein (p.Ile3163Val). This variant is present in population databases (rs751131826, gnomAD 0.0009%). This variant has not been reported in the literature in individuals affected with ALMS1-related conditions. ClinVar contains an entry for this variant (Variation ID: 2167702). Experimental studies and prediction algorithms are not available or were not evaluated, and the functional significance of this variant is currently unknown. In summary, the available evidence is currently insufficient to determine the role of this variant in disease. Therefore, it has been classified as a Variant of Uncertain Significance.